The following is an entry in ClinVar:

ClinVar aggregate classification (germline): Likely pathogenic. Review status: criteria provided, multiple submitters, no conflicts (2 of 4 stars). 2 submissions from 2 submitters: Likely pathogenic (2). Last evaluated 2026-08-28.

Conditions:
Intellectual developmental disorder, autosomal dominant 52. Also called: Intellectual disability, autosomal dominant 52; Mental retardation, autosomal dominant 52. Identifiers: MedGen C4540478, MONDO:0030918, OMIM 617796.

Submissions (2):

Institute of Medical Genetics and Applied Genomics, University Hospital Tübingen
Classification: Likely pathogenic for Intellectual developmental disorder, autosomal dominant 52. Last evaluated: 2026-08-28. Review status: criteria provided, single submitter. Criteria: ACMG Guidelines, 2015. Collection method: clinical testing. Allele origin: germline. Inheritance: Autosomal dominant inheritance. Affected: yes.

Institute of Human Genetics, University of Goettingen
Classification: Likely pathogenic for Intellectual developmental disorder, autosomal dominant 52. Last evaluated: 2024-07-17. Review status: criteria provided, single submitter. Criteria: ACMG Guidelines, 2015. Collection method: clinical testing. Allele origin: unknown. Inheritance: Sporadic. Affected: yes.
Comment: PVS1_vstrg; PM2_sup

NM_018489.3(ASH1L):c.1948del (p.Gly651fs)

Gene: ASH1L (ASH1 like histone lysine methyltransferase; minus strand). Cytogenetic location: 1q22.
Variant type: Deletion.
Coding change: c.1948del on transcript NM_018489.3 (MANE Select); coding-DNA position 1948, one base deleted (C; older notation c.1948delC).
Protein change: p.Gly651fs; shifts the reading frame from glycine 651.
Molecular consequence: frameshift variant.
Genome position (GRCh38, 1-based): chr1:155,480,922, G deleted on the plus strand (C on the coding strand, the reverse complement: ASH1L is on the minus strand); the first of 3 consecutive G bases (chr1:155,480,922-155,480,924); deleting any one gives the same sequence. VCF-style (leftmost placement, unchanged base first): chr1-155480921-AG-A. GRCh37 (hg19) VCF-style: chr1-155450712-AG-A.
Other names: c.1948del, p.Gly651fs (NM_001366177.2); short protein forms G651fs.
Identifiers: ClinVar variation 3255379 (VCV003255379.3), dbSNP rs2527188107.